The following is an entry in ClinVar:

NM_001385641.1(SAMD11):c.2126A>G (p.Asp709Gly)

Genes: SAMD11 (sterile alpha motif domain containing 11; plus strand), LOC129929063 (ATAC-STARR-seq lymphoblastoid active region 4; plus strand). Cytogenetic location: 1p36.33.
Variant type: single nucleotide variant.
Coding change: c.2126A>G on transcript NM_001385641.1 (MANE Select); coding-DNA position 2126, A replaced by G.
Protein change: p.Asp709Gly; replaces aspartic acid 709 with glycine.
Molecular consequence: missense variant.
Genome position (GRCh38, 1-based): chr1:943,325, A>G. VCF-style: chr1-943325-A-G. GRCh37 (hg19) VCF-style: chr1-878705-A-G.
Other names: c.2129A>G, p.Asp710Gly (NM_001385640.1); c.1637A>G, p.Asp546Gly (NM_152486.4); c.1637A>G (NM_152486.2); short protein forms D546G, D709G, D710G.
Identifiers: ClinVar variation 1000318 (VCV001000318.10), dbSNP rs1342687947, ClinGen allele CA337815435.
Genomic context (GRCh38, chr1:943,325, plus strand): 5'-GACTCTCCATGGATGGGGAGGAGGCCCCAGCCCCTGAGGACGTCACCAAGTGGACCGTGG[A>G]TGACGTCTGCAGCTTCGTGGGGGGCCTGTCTGGCTGTGGAGAGTACACTCGGGTAAGGGG-3'
Protein context (NP_001372570.1, residues 699-719): APEDVTKWTV[Asp709Gly]DVCSFVGGLS

ClinVar aggregate classification (germline): Uncertain significance. Review status: criteria provided, multiple submitters, no conflicts (2 of 4 stars). 2 submissions from 2 submitters: Uncertain significance (2). Last evaluated 2025-07-16.

Allele frequency attached by ClinVar (database versions not stated): TOPMed 0.00001.
gnomAD v4.1: 1 of 1,609,812 alleles (0.000062%); no homozygotes.

Submissions (2):

Ambry Genetics
Classification: Uncertain significance. Last evaluated: 2025-07-16. Review status: criteria provided, single submitter. Criteria: Ambry Variant Classification Scheme 2023. Collection method: clinical testing. Allele origin: germline.

Labcorp Genetics (formerly Invitae), Labcorp
Classification: Uncertain significance. Last evaluated: 2020-07-21. Review status: criteria provided, single submitter. Criteria: Invitae Variant Classification Sherloc (09022015). Collection method: clinical testing. Allele origin: germline.
Comment: This variant is not present in population databases (ExAC no frequency). In summary, the available evidence is currently insufficient to determine the role of this variant in disease. Therefore, it has been classified as a Variant of Uncertain Significance. Algorithms developed to predict the effect of sequence changes on RNA splicing suggest that this variant may create or strengthen a splice site, but this prediction has not been confirmed by published transcriptional studies. Algorithms developed to predict the effect of missense changes on protein structure and function are either unavailable or do not agree on the potential impact of this missense change (SIFT: "Deleterious"; PolyPhen-2: "Possibly Damaging"; Align-GVGD: "Class C0"). This variant has not been reported in the literature in individuals with SAMD11-related conditions. This sequence change replaces aspartic acid with glycine at codon 546 of the SAMD11 protein (p.Asp546Gly). The aspartic acid residue is moderately conserved and there is a moderate physicochemical difference between aspartic acid and glycine.